The following is an entry in ClinVar:

ClinVar aggregate classification (germline): Likely pathogenic (1 of 4 stars; one submission).

Conditions:
Corticosterone methyl oxidase type II deficiency.

gnomAD v4.1: 1 of 1,612,732 alleles (0.000062%); highest among the groups gnomAD compares: Non-Finnish European, 0.000085%; no homozygotes.

Submission:

Natera, Inc.
Classification: Likely pathogenic for Corticosterone methyl oxidase type II deficiency. Last evaluated: 2024-06-13. Review status: criteria provided, single submitter. Criteria: Natera Variant Classification Schema (03/2026). Collection method: clinical testing. Allele origin: germline.
Comment: The c.1121+2T>C variant in CYP11B2 is a canonical splice donor site variant predicted to affect pre-mRNA splicing, which may result in an abnormal transcript and altered protein product. This variant is expected to result in nonsense mediated decay, truncation, or a dysfunctional protein product. This variant is rare in the general population with a frequency below the threshold expected for the associated phenotype(s). Given the available evidence, this variant is classified as Likely Pathogenic.

NM_000498.3(CYP11B2):c.1121+2T>C

Genes: CYP11B2 (cytochrome P450 family 11 subfamily B member 2; minus strand), LOC106799834 (CYP11B2 recombination region; plus strand). Cytogenetic location: 8q24.3.
Variant type: single nucleotide variant.
Coding change: c.1121+2T>C on transcript NM_000498.3 (MANE Select); the canonical splice donor site of the intron after coding-DNA position 1121, T replaced by C.
Molecular consequence: splice donor variant.
Genome position (GRCh38, 1-based): chr8:142,913,283, A>G on the plus strand (T>C on the coding strand, the complement: CYP11B2 is on the minus strand). VCF-style: chr8-142913283-A-G. GRCh37 (hg19) VCF-style: chr8-143994699-A-G.
Identifiers: ClinVar variation 4818595 (VCV004818595.1).